The following is an entry in ClinVar:

ClinVar aggregate classification (germline): Likely benign (1 of 4 stars; one submission).

gnomAD v4.1: 26 of 1,614,144 alleles (0.0016%); highest among the groups gnomAD compares: Non-Finnish European, 0.0021%; no homozygotes.

Submission:

CeGaT Center for Human Genetics Tuebingen
Classification: Likely benign. Last evaluated: 2022-03-01. Review status: criteria provided, single submitter. Criteria: CeGaT Center For Human Genetics Tuebingen Variant Classification Criteria Version 2. Collection method: clinical testing. Allele origin: germline. Affected: yes. Observed: 1 variant allele.
Comment: MAP3K9: BP4, BP7

NM_001284230.2(MAP3K9):c.525C>T (p.His175=)

Gene: MAP3K9 (mitogen-activated protein kinase kinase kinase 9; minus strand). Cytogenetic location: 14q24.2.
Variant type: single nucleotide variant.
Coding change: c.525C>T on transcript NM_001284230.2 (MANE Select); coding-DNA position 525, C replaced by T.
Protein change: p.His175=; no amino-acid change (histidine 175 retained).
Molecular consequence: synonymous variant.
Genome position (GRCh38, 1-based): chr14:70,800,962, G>A on the plus strand (C>T on the coding strand, the complement: MAP3K9 is on the minus strand). VCF-style: chr14-70800962-G-A. GRCh37 (hg19) VCF-style: chr14-71267679-G-A.
Other names: c.525C>T, p.His175= (NM_033141.4).
Identifiers: ClinVar variation 2644346 (VCV002644346.24), dbSNP rs200295742, ClinGen allele CA263096478.
Genomic context (GRCh38, chr14:70,800,962, plus strand): 5'-GAAGAGCTTGGCCTCTTGGCGAACATTCTCTATGGTCTGGCTGATGTCCTCATCAGGGTC[G>A]TGGCGAGCTGCTTTCACAGCAACCTCATCCCCTATCCAGAAAGCACGATAGACCTTCCCA-3'
Protein context (NP_001271159.1, residues 165-185): GDEVAVKAAR[His175=]DPDEDISQTI